The following is an entry in ClinVar:

ClinVar aggregate classification (germline): Uncertain significance (1 of 4 stars; one submission).

Allele frequency attached by ClinVar (database versions not stated): ExAC 0.00004; TOPMed 0.00004; gnomAD 0.00006.
gnomAD v4.1: 52 of 1,597,558 alleles (0.0033%); highest among the groups gnomAD compares: Middle Eastern, 0.016%; no homozygotes.

Submission:

Labcorp Genetics (formerly Invitae), Labcorp
Classification: Uncertain significance. Last evaluated: 2022-06-05. Review status: criteria provided, single submitter. Criteria: Invitae Variant Classification Sherloc (09022015). Collection method: clinical testing. Allele origin: germline.
Comment: This sequence change replaces leucine, which is neutral and non-polar, with proline, which is neutral and non-polar, at codon 156 of the CRB2 protein (p.Leu156Pro). This variant is present in population databases (rs778832790, gnomAD 0.007%). This variant has not been reported in the literature in individuals affected with CRB2-related conditions. Algorithms developed to predict the effect of missense changes on protein structure and function are either unavailable or do not agree on the potential impact of this missense change (SIFT: "Deleterious"; PolyPhen-2: "Not Available"; Align-GVGD: "Class C0"). In summary, the available evidence is currently insufficient to determine the role of this variant in disease. Therefore, it has been classified as a Variant of Uncertain Significance.

NM_173689.7(CRB2):c.467T>C (p.Leu156Pro)

Gene: CRB2 (crumbs cell polarity complex component 2; plus strand). Cytogenetic location: 9q33.3.
Variant type: single nucleotide variant.
Coding change: c.467T>C on transcript NM_173689.7 (MANE Select); coding-DNA position 467, T replaced by C.
Protein change: p.Leu156Pro; replaces leucine 156 with proline.
Molecular consequence: missense variant.
Genome position (GRCh38, 1-based): chr9:123,365,965, T>C. VCF-style: chr9-123365965-T-C. GRCh37 (hg19) VCF-style: chr9-126128244-T-C.
Other names: short protein forms L156P.
Identifiers: ClinVar variation 1926141 (VCV001926141.2), dbSNP rs778832790, ClinGen allele CA5231667.